The following is an entry in ClinVar:

NM_001386393.1(PANK2):c.255G>T (p.Ser85=)

Genes: PANK2 (pantothenate kinase 2; plus strand), LOC130065345 (ATAC-STARR-seq lymphoblastoid silent region 12635; plus strand). Cytogenetic location: 20p13.
Variant type: single nucleotide variant.
Coding change: c.255G>T on transcript NM_001386393.1 (MANE Select); coding-DNA position 255, G replaced by T.
Protein change: p.Ser85=; no amino-acid change (serine 85 retained).
Molecular consequence: synonymous variant. On other transcripts: 5 prime UTR variant (1), non-coding transcript variant (1), intron variant (1).
Genome position (GRCh38, 1-based): chr20:3,889,685, G>T. VCF-style: chr20-3889685-G-T. GRCh37 (hg19) VCF-style: chr20-3870332-G-T.
Other names: p.Ser195=; c.585G>T (NM_153638.3); c.-457G>T (NM_001324191.2); c.585G>T, p.Ser195= (NM_001324192.1, NM_153638.4); c.-246+781G>T (NM_024960.6).
Identifiers: ClinVar variation 772588 (VCV000772588.24), dbSNP rs375741383, ClinGen allele CA9750609.

ClinVar aggregate classification (germline): Conflicting classifications of pathogenicity. Review status: criteria provided, conflicting classifications (1 of 4 stars). 6 submissions from 6 submitters: Uncertain significance (1); Benign (1); Likely benign (4). Last evaluated 2026-01-19.

Conditions:
Pigmentary pallidal degeneration (NBIA1). Also called: PKAN NEUROAXONAL DYSTROPHY, JUVENILE-ONSET; Neurodegeneration with brain iron accumulation 1; Neuroaxonal dystrophy, late infantile; Hallervorden-Spatz disease; HARP SYNDROME; Pantothenate Kinase-Associated Neurodegeneration. Identifiers: Orphanet 157850, MedGen C0018523, MONDO:0009319, OMIM 234200.

Allele frequency attached by ClinVar (database versions not stated): ExAC 0.00030; 1000 Genomes Project 0.00040; ESP Exome Variant Server 0.00044; 1000 Genomes Project 30x 0.00078; TOPMed 0.00113.
gnomAD v4.1: 321 of 1,594,420 alleles (0.02%); highest among the groups gnomAD compares: African/African-American, 0.33%; no homozygotes.

Submissions (6):

Labcorp Genetics (formerly Invitae), Labcorp
Classification: Benign for Pigmentary pallidal degeneration. Last evaluated: 2026-01-19. Review status: criteria provided, single submitter. Criteria: Invitae Variant Classification Sherloc (09022015). Collection method: clinical testing. Allele origin: germline.

CeGaT Center for Human Genetics Tuebingen
Classification: Likely benign. Last evaluated: 2025-10-01. Review status: criteria provided, single submitter. Criteria: CeGaT Center For Human Genetics Tuebingen Variant Classification Criteria Version 2. Collection method: clinical testing. Allele origin: germline. Affected: yes. Observed: 1 variant allele.
Comment: PANK2: BP4, BP7

Mayo Clinic Laboratories, Mayo Clinic
Classification: Likely benign. Last evaluated: 2025-05-08. Review status: criteria provided, single submitter. Criteria: ACMG Guidelines, 2015. Collection method: clinical testing. Allele origin: germline. Observed: 3 variant alleles.
Comment: BS1, BP4, BP7

Blueprint Genetics
Classification: Likely benign. Last evaluated: 2024-09-16. Review status: criteria provided, single submitter. Criteria: ACMG Guidelines, 2015. Collection method: clinical testing. Allele origin: germline.

GeneDx
Classification: Likely benign. Last evaluated: 2020-09-17. Review status: criteria provided, single submitter. Criteria: GeneDx Variant Classification Process June 2021. Collection method: clinical testing. Allele origin: germline. Affected: yes.

Illumina Laboratory Services, Illumina
Classification: Uncertain significance for Pigmentary pallidal degeneration. Last evaluated: 2017-04-27. Review status: criteria provided, single submitter. Criteria: ICSL Variant Classification Criteria 13 December 2019. Collection method: clinical testing. Allele origin: germline.